The following is an entry in ClinVar:

NM_000548.5(TSC2):c.4448G>A (p.Arg1483Lys)

Gene: TSC2 (TSC complex subunit 2; plus strand). Cytogenetic location: 16p13.3.
Variant type: single nucleotide variant.
Coding change: c.4448G>A on transcript NM_000548.5 (MANE Select); coding-DNA position 4448, G replaced by A.
Protein change: p.Arg1483Lys; replaces arginine 1483 with lysine.
Molecular consequence: missense variant.
Genome position (GRCh38, 1-based): chr16:2,084,670, G>A. VCF-style: chr16-2084670-G-A. GRCh37 (hg19) VCF-style: chr16-2134671-G-A.
Other names: c.4247G>A, p.Arg1416Lys (NM_001077183.3); c.4379G>A, p.Arg1460Lys (NM_001114382.3); c.4139G>A, p.Arg1380Lys (NM_001318827.2); c.4103G>A, p.Arg1368Lys (NM_001318829.2); c.3716G>A, p.Arg1239Lys (NM_001318831.2); c.4280G>A, p.Arg1427Lys (NM_001318832.2); c.4250G>A, p.Arg1417Lys (NM_001363528.2); c.4316G>A, p.Arg1439Lys (NM_001370404.1); and 26 more; short protein forms R1263K, R1283K, R1368K, R1379K, R1380K, R1410K, R1413K, R1416K.
Identifiers: ClinVar variation 1740660 (VCV001740660.2), dbSNP rs370114027, ClinGen allele CA394302389.

ClinVar aggregate classification (germline): Uncertain significance (1 of 4 stars; one submission).

Conditions:
Hereditary cancer-predisposing syndrome. Also called: Hereditary Cancer Syndrome; Hereditary neoplastic syndrome; Neoplastic Syndromes, Hereditary; Tumor predisposition. Identifiers: Orphanet 140162, MedGen C0027672, MeSH D009386, MONDO:0015356.

Submission:

Ambry Genetics
Classification: Uncertain significance for Hereditary cancer-predisposing syndrome. Last evaluated: 2021-09-13. Review status: criteria provided, single submitter. Criteria: Ambry Variant Classification Scheme 2023. Collection method: clinical testing. Allele origin: germline.
Comment: The p.R1483K variant (also known as c.4448G>A), located in coding exon 33 of the TSC2 gene, results from a G to A substitution at nucleotide position 4448. The arginine at codon 1483 is replaced by lysine, an amino acid with highly similar properties. This amino acid position is highly conserved in available vertebrate species. In addition, this alteration is predicted to be deleterious by in silico analysis. Since supporting evidence is limited at this time, the clinical significance of this alteration remains unclear.